The following is an entry in ClinVar:

NM_001035.3(RYR2):c.7869_7870delinsCT (p.Pro2624Ser)

Gene: RYR2 (ryanodine receptor 2; plus strand). Cytogenetic location: 1q43.
Variant type: Indel.
Coding change: c.7869_7870delinsCT on transcript NM_001035.3 (MANE Select); coding-DNA positions 7869 to 7870, GC replaced by CT.
Protein change: p.Pro2624Ser; replaces proline 2624 with serine.
Molecular consequence: missense variant.
Genome position (GRCh38, 1-based): chr1:237,654,318-237,654,319, GC replaced by CT. VCF-style: chr1-237654318-GC-CT. GRCh37 (hg19) VCF-style: chr1-237817618-GC-CT.
Other names: short protein forms P2624S.
Identifiers: ClinVar variation 4774291 (VCV004774291.1).
Genomic context (GRCh38, chr1:237,654,318, plus strand): 5'-TTGTTTTCCCACATAGCTGCTGACAAATCATTATGAAAGATGCTGGAAATATTACTGCCT[GC>CT]CTGGAGGGTGGGGAAACTTTGGTGCTGCCTCAGAAGAAGAACTTCATTTATCAAGAAAGT-3'
Protein context (NP_001026.2, residues 2614-2634): YERCWKYYCL[Pro2624Ser]GGWGNFGAAS

ClinVar aggregate classification (germline): Uncertain significance (1 of 4 stars; one submission).

Conditions:
Catecholaminergic polymorphic ventricular tachycardia 1. Also called: VENTRICULAR TACHYCARDIA, STRESS-INDUCED POLYMORPHIC 1; RYR2-Related Catecholaminergic Polymorphic Ventricular Tachycardia; VENTRICULAR TACHYCARDIA, CATECHOLAMINERGIC POLYMORPHIC, 1, WITH OR WITHOUT ATRIAL DYSFUNCTION AND/OR DILATED CARDIOMYOPATHY. Identifiers: Orphanet 3286, MedGen C1631597, MONDO:0011484, OMIM 604772.

Submission:

Labcorp Genetics (formerly Invitae), Labcorp
Classification: Uncertain significance for Catecholaminergic polymorphic ventricular tachycardia 1. Last evaluated: 2026-01-14. Review status: criteria provided, single submitter. Criteria: Invitae Variant Classification Sherloc (09022015). Collection method: clinical testing. Allele origin: germline.
Comment: This sequence change replaces proline, which is neutral and non-polar, with serine, which is neutral and polar, at codon 2624 of the RYR2 protein (p.Pro2624Ser). Information on the frequency of this variant in the gnomAD database is not available, as this variant may be reported differently in the database. This variant has not been reported in the literature in individuals affected with RYR2-related conditions. Experimental studies and prediction algorithms are not available or were not evaluated, and the functional significance of this variant is currently unknown. In summary, the available evidence is currently insufficient to determine the role of this variant in disease. Therefore, it has been classified as a Variant of Uncertain Significance.